The following is an entry in ClinVar:

ClinVar aggregate classification (germline): Uncertain significance (1 of 4 stars; one submission).

Conditions:
Inborn genetic diseases. Identifiers: MedGen C0950123, MeSH D030342.

Submission:

Ambry Genetics
Classification: Uncertain significance for Inborn genetic diseases. Last evaluated: 2025-08-02. Review status: criteria provided, single submitter. Criteria: Ambry Variant Classification Scheme 2023. Collection method: clinical testing. Allele origin: germline.
Comment: The p.I703V variant (also known as c.2107A>G), located in coding exon 12 of the FANCM gene, results from an A to G substitution at nucleotide position 2107. The isoleucine at codon 703 is replaced by valine, an amino acid with highly similar properties. This amino acid position is conserved. In addition, this alteration is predicted to be tolerated by in silico analysis. Based on the available evidence, the clinical significance of this variant remains unclear.

NM_020937.4(FANCM):c.2107A>G (p.Ile703Val)

Gene: FANCM (FA complementation group M; plus strand). Cytogenetic location: 14q21.2.
Variant type: single nucleotide variant.
Coding change: c.2107A>G on transcript NM_020937.4 (MANE Select); coding-DNA position 2107, A replaced by G.
Protein change: p.Ile703Val; replaces isoleucine 703 with valine.
Molecular consequence: missense variant.
Genome position (GRCh38, 1-based): chr14:45,170,693, A>G. VCF-style: chr14-45170693-A-G. GRCh37 (hg19) VCF-style: chr14-45639896-A-G.
Other names: c.2029A>G, p.Ile677Val (NM_001308133.2); short protein forms I703V, I677V.
Identifiers: ClinVar variation 4254640 (VCV004254640.1).